The following is an entry in ClinVar:

NM_002397.5(MEF2C):c.211G>T (p.Glu71Ter)

Gene: MEF2C (myocyte enhancer factor 2C; minus strand). Cytogenetic location: 5q14.3.
Variant type: single nucleotide variant.
Coding change: c.211G>T on transcript NM_002397.5 (MANE Select); coding-DNA position 211, G replaced by T.
Protein change: p.Glu71Ter; replaces glutamic acid 71 with a stop codon.
Molecular consequence: nonsense.
Genome position (GRCh38, 1-based): chr5:88,804,645, C>A on the plus strand (G>T on the coding strand, the complement: MEF2C is on the minus strand). VCF-style: chr5-88804645-C-A. GRCh37 (hg19) VCF-style: chr5-88100462-C-A.
Other names: c.211G>T, p.Glu71Ter (NM_001364354.2, NM_001364355.2, NM_001131005.2 and 29 more transcripts); short protein forms E71*.
Identifiers: ClinVar variation 5019529 (VCV005019529.1).
Genomic context (GRCh38, chr5:88,804,645, plus strand): 5'-CATGCTCTCTCACCTCCACGATGTCTGAGTTTGTCCGGCTCTCATGCGGCTCGTTGTACT[C>A]CGTGTACTTGAGAAGCACTTTGTCCATGTCGGTGCTGGCATACTGGAACAGCTTGTTGGT-3'

ClinVar aggregate classification (germline): Pathogenic (1 of 4 stars; one submission).

Conditions:
Neurodevelopmental disorder with hypotonia, stereotypic hand movements, and impaired language. Also called: Intellectual disability, autosomal dominant 20. Identifiers: Orphanet 228384, Orphanet 664410, MedGen C3150700, MONDO:0013266, OMIM 613443.

Submission:

Juno Genomics, Hangzhou Juno Genomics, Inc
Classification: Pathogenic for Neurodevelopmental disorder with hypotonia, stereotypic hand movements, and impaired language. Review status: criteria provided, single submitter. Criteria: ACMG Guidelines, 2015. Collection method: clinical testing. Allele origin: germline. Affected: yes.
Comment: Absent from controls (or at extremely low frequency if recessive) in Genome Aggregation Database.;Null variant in a gene where loss of function (LOF) is a known mechanism of disease.;The prevalence of the variant in affected individuals is significantly increased compared to the prevalence in controls.;De novo (both maternity and paternity confirmed) in a patient with the disease and no family history.